The following is an entry in ClinVar:

ClinVar aggregate classification (germline): Conflicting classifications of pathogenicity. Review status: criteria provided, conflicting classifications (1 of 4 stars). 11 submissions from 11 submitters: Uncertain significance (9); Likely benign (1). 1 of the submissions does not count toward it. Last evaluated 2025-12-09.

Conditions:
Breast and/or ovarian cancer. Identifiers: MedGen CN221562.
Hereditary cancer-predisposing syndrome. Also called: Tumor predisposition; Hereditary neoplastic syndrome; Neoplastic Syndromes, Hereditary; Hereditary Cancer Syndrome. Identifiers: Orphanet 140162, MedGen C0027672, MeSH D009386, MONDO:0015356.
Familial cancer of breast. Also called: BREAST CANCER, FAMILIAL; Hereditary breast cancer; hereditary breast carcinoma. Identifiers: Orphanet 227535, MedGen C0346153, MONDO:0016419, OMIM 114480. Disease mechanism: loss of function.
Fanconi anemia complementation group J. Also called: BRIP1-Related Fanconi Anemia. Identifiers: Orphanet 84, MedGen C1836860, MONDO:0012187, OMIM 609054.

Allele frequency attached by ClinVar (database versions not stated): gnomAD exomes below 0.00001 and 0.00001; gnomAD 0.00001; ExAC 0.00002; TOPMed 0.00002.
gnomAD v4.1: 12 of 1,614,008 alleles (0.00074%); highest among the groups gnomAD compares: African/African-American, 0.0067%; no homozygotes.

Submissions (11):

Labcorp Genetics (formerly Invitae), Labcorp
Classification: Uncertain significance for Familial cancer of breast; Fanconi anemia complementation group J. Last evaluated: 2025-12-09. Review status: criteria provided, single submitter. Criteria: Invitae Variant Classification Sherloc (09022015). Collection method: clinical testing. Allele origin: germline.
Comment: This sequence change replaces arginine, which is basic and polar, with glutamine, which is neutral and polar, at codon 581 of the BRIP1 protein (p.Arg581Gln). This variant is present in population databases (rs587778133, gnomAD 0.0009%). This variant has not been reported in the literature in individuals affected with BRIP1-related conditions. ClinVar contains an entry for this variant (Variation ID: 133748). Invitae Evidence Modeling of protein sequence and biophysical properties (such as structural, functional, and spatial information, amino acid conservation, physicochemical variation, residue mobility, and thermodynamic stability) indicates that this missense variant is not expected to disrupt BRIP1 protein function with a negative predictive value of 95%. In summary, the available evidence is currently insufficient to determine the role of this variant in disease. Therefore, it has been classified as a Variant of Uncertain Significance.

Ambry Genetics
Classification: Likely benign for Hereditary cancer-predisposing syndrome. Last evaluated: 2025-10-01. Review status: criteria provided, single submitter. Criteria: Ambry Variant Classification Scheme 2023. Collection method: clinical testing. Allele origin: germline.

Mayo Clinic Laboratories, Mayo Clinic
Classification: Uncertain significance. Last evaluated: 2025-03-11. Review status: criteria provided, single submitter. Criteria: ACMG Guidelines, 2015. Collection method: clinical testing. Allele origin: germline. Observed: 1 variant allele.
Comment: BP4_moderate

Baylor Genetics
Classification: Uncertain significance for Familial cancer of breast. Last evaluated: 2024-02-06. Review status: criteria provided, single submitter. Criteria: ACMG Guidelines, 2015. Collection method: clinical testing. Allele origin: unknown.

Color Diagnostics, LLC DBA Color Health
Classification: Uncertain significance for Hereditary cancer-predisposing syndrome. Last evaluated: 2024-01-08. Review status: criteria provided, single submitter. Criteria: ACMG Guidelines, 2015. Collection method: clinical testing. Allele origin: germline.
Comment: This missense variant replaces arginine with glutamine at codon 581 of the BRIP1 protein. Computational prediction suggests that this variant may not impact protein structure and function. To our knowledge, functional studies have not been reported for this variant. This variant has not been reported in individuals affected with BRIP1-related disorders in the literature. This variant has been identified in 1/251444 chromosomes in the general population by the Genome Aggregation Database (gnomAD). The available evidence is insufficient to determine the role of this variant in disease conclusively. Therefore, this variant is classified as a Variant of Uncertain Significance.

Women's Health and Genetics/Laboratory Corporation of America, LabCorp
Classification: Uncertain significance. Last evaluated: 2023-11-27. Review status: criteria provided, single submitter. Criteria: LabCorp Variant Classification Summary - May 2015. Collection method: clinical testing. Allele origin: germline.
Comment: Variant summary: BRIP1 c.1742G>A (p.Arg581Gln) results in a conservative amino acid change in the encoded protein sequence. Four of five in-silico tools predict a benign effect of the variant on protein function. The variant allele was found at a frequency of 4e-06 in 251444 control chromosomes. The available data on variant occurrences in the general population are insufficient to allow any conclusion about variant significance. To our knowledge, no occurrence of c.1742G>A in individuals affected with Breast Cancer and no experimental evidence demonstrating its impact on protein function have been reported. Six submitters have cited clinical-significance assessments for this variant to ClinVar after 2014. All submitters classified the variant as uncertain significance. Based on the evidence outlined above, the variant was classified as uncertain significance.

KCCC/NGS Laboratory, Kuwait Cancer Control Center
Classification: Uncertain significance for Familial cancer of breast. Last evaluated: 2023-09-17. Review status: criteria provided, single submitter. Criteria: ACMG Guidelines, 2015. Collection method: clinical testing. Allele origin: germline. Inheritance: Autosomal dominant inheritance. Affected: yes. Observed: 1 heterozygote.
Comment: This sequence change replaces arginine, which is basic and polar, with glutamine, which is neutral and polar, at codon 581 of the BRIP1 protein (p.Arg581Gln). This variant is present in population databases (rs587778133, gnomAD 0.0009%). This variant has not been reported in the literature in individuals affected with BRIP1-related conditions. ClinVar contains an entry for this variant (Variation ID: 133748). This amino acid position is not well conserved (PhyloP=2.51) . In silico analysis supports that this missense variant does not alter protein structure/function. In summary, the available evidence is currently insufficient to determine the role of this variant in disease. Therefore, it has been classified as a Variant of Uncertain Significance.

Neuberg Centre For Genomic Medicine, NCGM
Classification: Uncertain significance for Familial cancer of breast. Last evaluated: 2023-06-22. Review status: criteria provided, single submitter. Criteria: ACMG Guidelines, 2015. Collection method: clinical testing. Allele origin: germline. Inheritance: Autosomal dominant inheritance. Affected: yes.
Comment: The observed missense variant c.1742G>A(p.Arg581Gln) in the BRIP1 gene has not been reported previously as a pathogenic variant nor as a benign variant, to our knowledge. This variant is reported with the allele frequency 0.0004% in the gnomAD Exomes. This variant has been reported to the ClinVar database as Uncertain Significance by multiple submitters. However, no details are available for independent assessment. The amino acid Arg at position 581 is changed to a Gln changing protein sequence and it might alter its composition and physico- chemical properties. Multiple lines of computational evidence (SIFT - Damaging and MutationTaster - Disease causing) predict a damaging effect on protein structure and function for this variant. The residue is conserved by GERP++ and PhyloP across 100 vertebrates. For these reasons, this variant has been classified as Uncertain Significance.

GeneDx
Classification: Uncertain significance. Last evaluated: 2023-02-16. Review status: criteria provided, single submitter. Criteria: GeneDx Variant Classification Process June 2021. Collection method: clinical testing. Allele origin: germline. Affected: yes.
Comment: Not observed at significant frequency in large population cohorts (gnomAD); In silico analysis supports that this missense variant does not alter protein structure/function; Identified in healthy individuals undergoing whole genome sequencing (Bodian et al., 2014); This variant is associated with the following publications: (PMID: 24728327)

CHEO Genetics Diagnostic Laboratory, Children's Hospital of Eastern Ontario
Classification: Uncertain significance for Breast and/or ovarian cancer. Last evaluated: 2019-06-12. Review status: criteria provided, single submitter. Criteria: ACMG Guidelines, 2015. Collection method: clinical testing. Allele origin: germline.

ITMI
No classification provided. Condition: AllHighlyPenetrant. Last evaluated: 2013-09-19. Review status: no classification provided. Collection method: reference population. Allele origin: germline. Not counted in ClinVar's aggregate classification.
Comment: Please see associated publication for description of ethnicities

Literature cited by the submitters: PubMed 24728327 (cited by 3 submitters).

NM_032043.3(BRIP1):c.1742G>A (p.Arg581Gln)

Gene: BRIP1 (BRCA1 interacting DNA helicase 1; minus strand). Cytogenetic location: 17q23.2.
Variant type: single nucleotide variant.
Coding change: c.1742G>A on transcript NM_032043.3 (MANE Select); coding-DNA position 1742, G replaced by A.
Protein change: p.Arg581Gln; replaces arginine 581 with glutamine.
Molecular consequence: missense variant.
Genome position (GRCh38, 1-based): chr17:61,780,892, C>T on the plus strand (G>A on the coding strand, the complement: BRIP1 is on the minus strand). VCF-style: chr17-61780892-C-T. GRCh37 (hg19) VCF-style: chr17-59858253-C-T.
Other names: p.Arg581Gln; short protein forms R581Q.
Identifiers: ClinVar variation 133748 (VCV000133748.31), dbSNP rs587778133, ClinGen allele CA157682.